The following is an entry in ClinVar:

NM_001846.4(COL4A2):c.4424G>T (p.Ser1475Ile)

Genes: COL4A2 (collagen type IV alpha 2 chain; plus strand), COL4A2-AS1 (COL4A2 antisense RNA 1; minus strand). Cytogenetic location: 13q34.
Variant type: single nucleotide variant.
Coding change: c.4424G>T on transcript NM_001846.4 (MANE Select); coding-DNA position 4424, G replaced by T.
Protein change: p.Ser1475Ile; replaces serine 1475 with isoleucine.
Molecular consequence: missense variant.
Genome position (GRCh38, 1-based): chr13:110,506,436, G>T. VCF-style: chr13-110506436-G-T. GRCh37 (hg19) VCF-style: chr13-111158783-G-T.
Other names: short protein forms S1475I.
Identifiers: ClinVar variation 4976330 (VCV004976330.1).
Genomic context (GRCh38, chr13:110,506,436, plus strand): 5'-GCACCAGGCCGTCCACTCTCTCTCTTTCTCGGGCTGCAGGTGCACCAGGCCGTCCAGGGA[G>T]CCCGGGCCTGCCGGGTATGCCAGGCCGCAGCGTCAGCATCGGCTACCTCCTGGTGAAGCA-3'
Protein context (NP_001837.2, residues 1465-1485): GQEGAPGRPG[Ser1475Ile]PGLPGMPGRS

ClinVar aggregate classification (germline): Uncertain significance (1 of 4 stars; one submission).

Submission:

GeneDx
Classification: Uncertain significance. Last evaluated: 2026-02-10. Review status: criteria provided, single submitter. Criteria: GeneDx Variant Classification Process June 2021. Collection method: clinical testing. Allele origin: germline.
Comment: Not observed at significant frequency in large population cohorts (gnomAD); In silico analysis suggests that this missense variant does not alter protein structure/function; Has not been previously published as pathogenic or benign to our knowledge; Occurs in the triple helical domain at the X position in the canonical Gly-X-Y repeat; although this variant may have an effect on normal protein folding and function, missense substitution at the X position is not a common mechanism of disease